The following is an entry in ClinVar:

ClinVar aggregate classification (germline): Uncertain significance (1 of 4 stars; one submission).

Allele frequency attached by ClinVar (database versions not stated): gnomAD exomes below 0.00001 and 0.00001.

Submission:

Labcorp Genetics (formerly Invitae), Labcorp
Classification: Uncertain significance. Last evaluated: 2022-09-06. Review status: criteria provided, single submitter. Criteria: Invitae Variant Classification Sherloc (09022015). Collection method: clinical testing. Allele origin: germline.
Comment: This sequence change replaces tyrosine, which is neutral and polar, with asparagine, which is neutral and polar, at codon 214 of the CACNA2D4 protein (p.Tyr214Asn). This variant is present in population databases (no rsID available, gnomAD 0.0009%). Algorithms developed to predict the effect of missense changes on protein structure and function (SIFT, PolyPhen-2, Align-GVGD) all suggest that this variant is likely to be disruptive. ClinVar contains an entry for this variant (Variation ID: 1435870). This variant has not been reported in the literature in individuals affected with CACNA2D4-related conditions. In summary, the available evidence is currently insufficient to determine the role of this variant in disease. Therefore, it has been classified as a Variant of Uncertain Significance.

NM_172364.5(CACNA2D4):c.640T>A (p.Tyr214Asn)

Gene: CACNA2D4 (calcium voltage-gated channel auxiliary subunit alpha2delta 4; minus strand). Cytogenetic location: 12p13.33.
Variant type: single nucleotide variant.
Coding change: c.640T>A on transcript NM_172364.5 (MANE Select); coding-DNA position 640, T replaced by A.
Protein change: p.Tyr214Asn; replaces tyrosine 214 with asparagine.
Molecular consequence: missense variant.
Genome position (GRCh38, 1-based): chr12:1,907,884, A>T on the plus strand (T>A on the coding strand, the complement: CACNA2D4 is on the minus strand). VCF-style: chr12-1907884-A-T. GRCh37 (hg19) VCF-style: chr12-2017050-A-T.
Other names: short protein forms Y214N.
Identifiers: ClinVar variation 1435870 (VCV001435870.8), dbSNP rs1267354772, ClinGen allele CA383364112.